The following is an entry in ClinVar:

GRCh38/hg38 5q21.1-22.2(chr5:102373396-113594030)x1

Genes: MACIR (macrophage immunometabolism regulator; plus strand), MAN2A1 (mannosidase alpha class 2A member 1; plus strand), MAN2A1-DT (MAN2A1 divergent transcript; minus strand), MCC (MCC regulator of Wnt signaling pathway; minus strand), MIR548F3 (microRNA 548f-3; minus strand) and 178 more. Cytogenetic location: 5q21.1-22.2.
Variant type: copy number loss.
Change: copy number 1 (one copy instead of two) of chr5:102,373,396-113,594,030 (11.22 Mb, GRCh38 coordinates, 1-based), cytogenetic band 5q21.1-22.2.
Identifiers: ClinVar variation 59671 (VCV000059671.1).

ClinVar aggregate classification (germline): Pathogenic (1 of 4 stars; one submission).

Submission:

ISCA site 15
Classification: Pathogenic. Last evaluated: 2011-08-12. Review status: criteria provided, single submitter. Criteria: Kaminsky et al. (Genet Med. 2011). Collection method: clinical testing. Allele origin: de novo. Affected: yes. Observed: 1 variant allele.
Comment: Copy number variation identified through the course of routine clinical cytogenomic testing in postnatal populations. Clinical assertions have been curated as described in Kaminsky et al. 2011.